The following is an entry in ClinVar:

NM_014991.6(WDFY3):c.8261A>T (p.Lys2754Met)

Gene: WDFY3 (WD repeat and FYVE domain containing 3; minus strand). Cytogenetic location: 4q21.23.
Variant type: single nucleotide variant.
Coding change: c.8261A>T on transcript NM_014991.6 (MANE Select); coding-DNA position 8261, A replaced by T.
Protein change: p.Lys2754Met; replaces lysine 2754 with methionine.
Molecular consequence: missense variant.
Genome position (GRCh38, 1-based): chr4:84,705,468, T>A on the plus strand (A>T on the coding strand, the complement: WDFY3 is on the minus strand). VCF-style: chr4-84705468-T-A. GRCh37 (hg19) VCF-style: chr4-85626621-T-A.
Other names: short protein forms K2754M.
Identifiers: ClinVar variation 4866481 (VCV004866481.1).

ClinVar aggregate classification (germline): Uncertain significance (1 of 4 stars; one submission).

Conditions:
Inborn genetic diseases. Identifiers: MedGen C0950123, MeSH D030342.

gnomAD v4.1: 30 of 1,613,964 alleles (0.0019%); highest among the groups gnomAD compares: African/African-American, 0.004%; no homozygotes.

Submission:

Ambry Genetics
Classification: Uncertain significance for Inborn genetic diseases. Last evaluated: 2026-05-27. Review status: criteria provided, single submitter. Criteria: Ambry Variant Classification Scheme 2023. Collection method: clinical testing. Allele origin: germline.
Comment: The c.8261A>T (p.K2754M) alteration is located in exon 54 (coding exon 51) of the WDFY3 gene. This alteration results from a A to T substitution at nucleotide position 8261, causing the lysine (K) at amino acid position 2754 to be replaced by a methionine (M). Based on data from gnomAD, the T allele has an overall frequency of <0.001% (1/251280) total alleles studied. The highest observed frequency was 0.001% (1/113692) of European (non-Finnish) alleles. Based on insufficient or conflicting evidence, the clinical significance of this alteration remains unclear.